The following is an entry in ClinVar:

ClinVar aggregate classification (germline): Uncertain significance (1 of 4 stars; one submission).

Allele frequency attached by ClinVar (database versions not stated): gnomAD exomes 0.00002.
gnomAD v4.1: 21 of 1,612,100 alleles (0.0013%); highest among the groups gnomAD compares: Non-Finnish European, 0.0018%; no homozygotes.

Submission:

Labcorp Genetics (formerly Invitae), Labcorp
Classification: Uncertain significance. Last evaluated: 2024-07-19. Review status: criteria provided, single submitter. Criteria: Invitae Variant Classification Sherloc (09022015). Collection method: clinical testing. Allele origin: germline.
Comment: This sequence change replaces cysteine, which is neutral and slightly polar, with serine, which is neutral and polar, at codon 574 of the REST protein (p.Cys574Ser). This variant is not present in population databases (gnomAD no frequency). This variant has not been reported in the literature in individuals affected with REST-related conditions. ClinVar contains an entry for this variant (Variation ID: 940623). An algorithm developed to predict the effect of missense changes on protein structure and function outputs the following: PolyPhen-2: "Benign". The serine amino acid residue is found in multiple mammalian species, which suggests that this missense change does not adversely affect protein function. In summary, the available evidence is currently insufficient to determine the role of this variant in disease. Therefore, it has been classified as a Variant of Uncertain Significance.

NM_005612.5(REST):c.1721G>C (p.Cys574Ser)

Gene: REST (RE1 silencing transcription factor; plus strand). Cytogenetic location: 4q12.
Variant type: single nucleotide variant.
Coding change: c.1721G>C on transcript NM_005612.5 (MANE Select); coding-DNA position 1721, G replaced by C.
Protein change: p.Cys574Ser; replaces cysteine 574 with serine.
Molecular consequence: missense variant.
Genome position (GRCh38, 1-based): chr4:56,930,579, G>C. VCF-style: chr4-56930579-G-C. GRCh37 (hg19) VCF-style: chr4-57796745-G-C.
Other names: c.1721G>C, p.Cys574Ser (NM_001193508.2, NM_001363453.3); short protein forms C574S.
Identifiers: ClinVar variation 940623 (VCV000940623.9), dbSNP rs1720913432, ClinGen allele CA357007268.